The following is an entry in ClinVar:

NM_000390.4(CHM):c.1396dup (p.Thr466fs)

Gene: CHM (CHM Rab escort protein; minus strand). Cytogenetic location: Xq21.2.
Variant type: Duplication.
Coding change: c.1396dup on transcript NM_000390.4 (MANE Select); coding-DNA position 1396, one base duplicated (A; older notation c.1396dupA).
Protein change: p.Thr466fs; shifts the reading frame from threonine 466.
Molecular consequence: frameshift variant.
Genome position (GRCh38, 1-based): chrX:85,900,663, T duplicated on the plus strand (A on the coding strand, the reverse complement: CHM is on the minus strand); the first of 5 consecutive T bases (chrX:85,900,663-85,900,667); duplicating any one gives the same sequence. VCF-style (leftmost placement, unchanged base first): chrX-85900662-G-GT. GRCh37 (hg19) VCF-style: chrX-85155667-G-GT.
Other names: c.952dup, p.Thr318fs (NM_001320959.1, NM_001362517.1, NM_001362518.2 and 1 more transcripts); short protein forms T318fs, T466fs.
Identifiers: ClinVar variation 4880562 (VCV004880562.2).

ClinVar aggregate classification (germline): Likely pathogenic (1 of 4 stars; one submission).

Conditions:
Choroideremia. Also called: Chorioretinal scalloped atrophy. Identifiers: Orphanet 180, MedGen C0008525, MONDO:0010557, OMIM 303100, HP:0001139.

Submission:

Dasa
Classification: Likely pathogenic for Choroideremia. Last evaluated: 2025-04-02. Review status: criteria provided, single submitter. Criteria: DASA Assertion Criteria. Collection method: clinical testing. Allele origin: germline.
Comment: NM_000390.4(CHM):c.1396dup (p.Thr466Asnfs*26) is a frameshift variant in CHM predicted to alter the reading frame and introduce a premature termination codon and is predicted to result in an absent or altered protein product. Loss of function is an established disease mechanism for CHM (PMID: 33538369; PMID: 27070432). Also, this variant is absent from population databases. Based on the currently available evidence, this variant is classified as likely pathogenic.

Literature cited by the submitters: PubMed 33538369; PubMed 27070432.